The following is an entry in ClinVar:

ClinVar aggregate classification (germline): Benign/Likely benign. Review status: criteria provided, multiple submitters, no conflicts (2 of 4 stars). 3 submissions from 3 submitters: Benign (2); Likely benign (1). Last evaluated 2025-06-01.

Allele frequency attached by ClinVar (database versions not stated): gnomAD 0.00185; 1000 Genomes Project 0.00220; 1000 Genomes Project 30x 0.00234; TOPMed 0.00236; ESP Exome Variant Server 0.00254.
gnomAD v4.1: 4,761 of 1,613,908 alleles (0.29%); highest among the groups gnomAD compares: Middle Eastern, 1.5%; 23 homozygotes.

Submissions (3):

CeGaT Center for Human Genetics Tuebingen
Classification: Likely benign. Last evaluated: 2025-06-01. Review status: criteria provided, single submitter. Criteria: CeGaT Center For Human Genetics Tuebingen Variant Classification Criteria Version 2. Collection method: clinical testing. Allele origin: germline. Affected: yes. Observed: 1 variant allele.
Comment: ADAM23: BP4, BS2

Labcorp Genetics (formerly Invitae), Labcorp
Classification: Benign. Last evaluated: 2019-12-31. Review status: criteria provided, single submitter. Criteria: Invitae Variant Classification Sherloc (09022015). Collection method: clinical testing. Allele origin: germline.

Breakthrough Genomics
Classification: Benign. Review status: criteria provided, single submitter. Criteria: ACMG Guidelines, 2015. Collection method: not provided. Allele origin: germline. Inheritance: Unknown mechanism. Affected: yes.

NM_003812.4(ADAM23):c.2338C>G (p.Pro780Ala)

Gene: ADAM23 (ADAM metallopeptidase domain 23; plus strand). Cytogenetic location: 2q33.3.
Variant type: single nucleotide variant.
Coding change: c.2338C>G on transcript NM_003812.4 (MANE Select); coding-DNA position 2338, C replaced by G.
Protein change: p.Pro780Ala; replaces proline 780 with alanine.
Molecular consequence: missense variant.
Genome position (GRCh38, 1-based): chr2:206,596,141, C>G. VCF-style: chr2-206596141-C-G. GRCh37 (hg19) VCF-style: chr2-207460865-C-G.
Other names: short protein forms P780A.
Identifiers: ClinVar variation 787654 (VCV000787654.15), dbSNP rs113518350, ClinGen allele CA2073488.